The following is an entry in ClinVar:

ClinVar aggregate classification (germline): Uncertain significance (1 of 4 stars; one submission).

Conditions:
Muscular dystrophy-dystroglycanopathy (congenital with brain and eye anomalies), type a, 8 (MDDGA8). Also called: WALKER-WARBURG SYNDROME OR MUSCLE-EYE-BRAIN DISEASE, GTDC2-RELATED. Identifiers: Orphanet 899, MedGen C3553813, MONDO:0013904, OMIM 614830.

Allele frequency attached by ClinVar (database versions not stated): gnomAD exomes 0.00002 and 0.00010; TOPMed 0.00002; ExAC 0.00003; gnomAD 0.00003 and 0.00004; ESP Exome Variant Server 0.00008.
gnomAD v4.1: 146 of 1,613,868 alleles (0.009%); highest among the groups gnomAD compares: Non-Finnish European, 0.012%; no homozygotes.

Submission:

Labcorp Genetics (formerly Invitae), Labcorp
Classification: Uncertain significance for Muscular dystrophy-dystroglycanopathy (congenital with brain and eye anomalies), type a, 8. Last evaluated: 2023-12-06. Review status: criteria provided, single submitter. Criteria: Invitae Variant Classification Sherloc (09022015). Collection method: clinical testing. Allele origin: germline.
Comment: This sequence change replaces histidine, which is basic and polar, with tyrosine, which is neutral and polar, at codon 416 of the POMGNT2 protein (p.His416Tyr). This variant is present in population databases (rs373885542, gnomAD 0.004%). This variant has not been reported in the literature in individuals affected with POMGNT2-related conditions. ClinVar contains an entry for this variant (Variation ID: 1432164). Advanced modeling of protein sequence and biophysical properties (such as structural, functional, and spatial information, amino acid conservation, physicochemical variation, residue mobility, and thermodynamic stability) has been performed at Invitae for this missense variant, however the output from this modeling did not meet the statistical confidence thresholds required to predict the impact of this variant on POMGNT2 protein function. In summary, the available evidence is currently insufficient to determine the role of this variant in disease. Therefore, it has been classified as a Variant of Uncertain Significance.

NM_032806.6(POMGNT2):c.1246C>T (p.His416Tyr)

Gene: POMGNT2 (protein O-linked mannose N-acetylglucosaminyltransferase 2 (beta 1,4-); minus strand). Cytogenetic location: 3p22.1.
Variant type: single nucleotide variant.
Coding change: c.1246C>T on transcript NM_032806.6 (MANE Select); coding-DNA position 1246, C replaced by T.
Protein change: p.His416Tyr; replaces histidine 416 with tyrosine.
Molecular consequence: missense variant.
Genome position (GRCh38, 1-based): chr3:43,080,186, G>A on the plus strand (C>T on the coding strand, the complement: POMGNT2 is on the minus strand). VCF-style: chr3-43080186-G-A. GRCh37 (hg19) VCF-style: chr3-43121678-G-A.
Other names: short protein forms H416Y.
Identifiers: ClinVar variation 1432164 (VCV001432164.7), dbSNP rs373885542, ClinGen allele CA2339895.
Genomic context (GRCh38, chr3:43,080,186, plus strand): 5'-AGAGATGCCGTGGGACCTCACGGCTTTGCAGGATACGGGCTTGCTCAGCCCGGTCCAGAT[G>A]GGTGATGCCCCCCTGATCCCAGGGCCGCTCAGGGTGTGTGACTGTGTTCTCTGGCATCAT-3'
Protein context (NP_116195.2, residues 406-426): ERPWDQGGIT[His416Tyr]LDRAEQARIL